The following is an entry in ClinVar:

NM_002473.6(MYH9):c.5089C>T (p.Arg1697Cys)

Gene: MYH9 (myosin heavy chain 9; minus strand). Cytogenetic location: 22q12.3.
Variant type: single nucleotide variant.
Coding change: c.5089C>T on transcript NM_002473.6 (MANE Select); coding-DNA position 5089, C replaced by T.
Protein change: p.Arg1697Cys; replaces arginine 1697 with cysteine.
Molecular consequence: missense variant.
Genome position (GRCh38, 1-based): chr22:36,285,926, G>A on the plus strand (C>T on the coding strand, the complement: MYH9 is on the minus strand). VCF-style: chr22-36285926-G-A. GRCh37 (hg19) VCF-style: chr22-36681972-G-A.
Other names: short protein forms R1697C.
Identifiers: ClinVar variation 2629243 (VCV002629243.3), dbSNP rs372871106, ClinGen allele CA10209175.

ClinVar aggregate classification (germline): Uncertain significance. Review status: criteria provided, multiple submitters, no conflicts (2 of 4 stars). 2 submissions from 2 submitters: Uncertain significance (2). Last evaluated 2024-06-06.

Conditions:
MYH9-related disorder. Identifiers: MedGen C1854520.

Allele frequency attached by ClinVar (database versions not stated): ExAC 0.00001; gnomAD 0.00001; gnomAD exomes 0.00001; TOPMed 0.00002; ESP Exome Variant Server 0.00008.
gnomAD v4.1: 21 of 1,611,736 alleles (0.0013%); highest among the groups gnomAD compares: South Asian, 0.0066%; no homozygotes.

Submissions (2):

Labcorp Genetics (formerly Invitae), Labcorp
Classification: Uncertain significance. Last evaluated: 2024-06-06. Review status: criteria provided, single submitter. Criteria: Invitae Variant Classification Sherloc (09022015). Collection method: clinical testing. Allele origin: germline.
Comment: This sequence change replaces arginine, which is basic and polar, with cysteine, which is neutral and slightly polar, at codon 1697 of the MYH9 protein (p.Arg1697Cys). This variant is present in population databases (rs372871106, gnomAD 0.005%). This variant has not been reported in the literature in individuals affected with MYH9-related conditions. ClinVar contains an entry for this variant (Variation ID: 2629243). Advanced modeling of protein sequence and biophysical properties (such as structural, functional, and spatial information, amino acid conservation, physicochemical variation, residue mobility, and thermodynamic stability) has been performed at Invitae for this missense variant, however the output from this modeling did not meet the statistical confidence thresholds required to predict the impact of this variant on MYH9 protein function. In summary, the available evidence is currently insufficient to determine the role of this variant in disease. Therefore, it has been classified as a Variant of Uncertain Significance.

PreventionGenetics, part of Exact Sciences
Classification: Uncertain significance for MYH9-related condition. Last evaluated: 2023-06-22. Review status: criteria provided, single submitter. Criteria: ACMG Guidelines, 2015. Collection method: clinical testing. Allele origin: germline.
Comment: The MYH9 c.5089C>T variant is predicted to result in the amino acid substitution p.Arg1697Cys. To our knowledge, this variant has not been reported in the literature. This variant is reported in 0.0051% of alleles in individuals of European (Finnish) descent in gnomAD. At this time, the clinical significance of this variant is uncertain due to the absence of conclusive functional and genetic evidence.